The following is an entry in ClinVar:

ClinVar aggregate classification (germline): Uncertain significance. Review status: criteria provided, multiple submitters, no conflicts (2 of 4 stars). 4 submissions from 4 submitters: Uncertain significance (4). Last evaluated 2024-01-11.

Conditions:
Hereditary cancer-predisposing syndrome. Also called: Tumor predisposition; Hereditary Cancer Syndrome; Hereditary neoplastic syndrome; Neoplastic Syndromes, Hereditary. Identifiers: Orphanet 140162, MedGen C0027672, MeSH D009386, MONDO:0015356.
Familial adenomatous polyposis 1 (FAP1). Also called: FAMILIAL ADENOMATOUS POLYPOSIS 1, ATTENUATED; POLYPOSIS, ADENOMATOUS INTESTINAL. Identifiers: MedGen C2713442, MONDO:0021056, OMIM 175100. Disease mechanism: loss of function.

Submissions (4):

Ambry Genetics
Classification: Uncertain significance for Hereditary cancer-predisposing syndrome. Last evaluated: 2024-01-11. Review status: criteria provided, single submitter. Criteria: Ambry Variant Classification Scheme 2023. Collection method: clinical testing. Allele origin: germline.
Comment: The p.H1119L variant (also known as c.3356A>T), located in coding exon 15 of the APC gene, results from an A to T substitution at nucleotide position 3356. The histidine at codon 1119 is replaced by leucine, an amino acid with similar properties. This amino acid position is well conserved in available vertebrate species. In addition, in silico predictors for this gene do not accurately predict pathogenicity. Since supporting evidence is limited at this time, the clinical significance of this alteration remains unclear.

GeneDx
Classification: Uncertain significance. Last evaluated: 2023-06-29. Review status: criteria provided, single submitter. Criteria: GeneDx Variant Classification Process June 2021. Collection method: clinical testing. Allele origin: germline. Affected: yes.
Comment: Not observed at significant frequency in large population cohorts (gnomAD); In silico analysis supports that this missense variant does not alter protein structure/function; Has not been previously published as pathogenic or benign to our knowledge; This variant is associated with the following publications: (PMID: 18199528)

Labcorp Genetics (formerly Invitae), Labcorp
Classification: Uncertain significance for Familial adenomatous polyposis 1. Last evaluated: 2022-07-28. Review status: criteria provided, single submitter. Criteria: Invitae Variant Classification Sherloc (09022015). Collection method: clinical testing. Allele origin: germline.
Comment: This variant has not been reported in the literature in individuals affected with APC-related conditions. This variant is not present in population databases (gnomAD no frequency). This sequence change replaces histidine, which is basic and polar, with leucine, which is neutral and non-polar, at codon 1119 of the APC protein (p.His1119Leu). ClinVar contains an entry for this variant (Variation ID: 537483). In summary, the available evidence is currently insufficient to determine the role of this variant in disease. Therefore, it has been classified as a Variant of Uncertain Significance. Algorithms developed to predict the effect of missense changes on protein structure and function (SIFT, PolyPhen-2, Align-GVGD) all suggest that this variant is likely to be tolerated.

Sema4
Classification: Uncertain significance for Hereditary cancer-predisposing syndrome. Last evaluated: 2022-02-23. Review status: criteria provided, single submitter. Criteria: Sema4 Curation Guidelines. Collection method: curation. Allele origin: germline.
Comment: The APC c.3356A>T (p.H1119L) variant has not been reported in the literature to our knowledge. It was not observed in the large and broad cohorts of the Genome Aggregation Database (PMID: 32461654). This variant has been reported in ClinVar (Variation ID 537483). Functional studies have not been performed, and in silico predictions of the variant's effect on protein function are inconclusive. The evidence is insufficient to meet ACMG/AMP criteria for classifying the variant as benign or pathogenic. Thus, the clinical significance of this variant is currently uncertain.

NM_000038.6(APC):c.3356A>T (p.His1119Leu)

Gene: APC (APC regulator of Wnt signaling pathway; plus strand). Cytogenetic location: 5q22.2.
Variant type: single nucleotide variant.
Coding change: c.3356A>T on transcript NM_000038.6 (MANE Select); coding-DNA position 3356, A replaced by T.
Protein change: p.His1119Leu; replaces histidine 1119 with leucine.
Molecular consequence: missense variant.
Genome position (GRCh38, 1-based): chr5:112,838,950, A>T. VCF-style: chr5-112838950-A-T. GRCh37 (hg19) VCF-style: chr5-112174647-A-T.
Other names: c.3356A>T, p.His1119Leu (NM_001127510.3, NM_001354895.2); c.3302A>T, p.His1101Leu (NM_001127511.3); c.3410A>T, p.His1137Leu (NM_001354896.2); c.3386A>T, p.His1129Leu (NM_001354897.2); c.3281A>T, p.His1094Leu (NM_001354898.2); c.3272A>T, p.His1091Leu (NM_001354899.2); c.3233A>T, p.His1078Leu (NM_001354900.2); c.3179A>T, p.His1060Leu (NM_001354901.2); and 5 more; short protein forms H1101L, H1119L, H1028L, H1094L, H836L, H1091L, H1137L, H959L.
Identifiers: ClinVar variation 537483 (VCV000537483.17), dbSNP rs1554084962, ClinGen allele CA16028686.